The following is an entry in ClinVar:

ClinVar aggregate classification (germline): Pathogenic. Review status: criteria provided, multiple submitters, no conflicts (2 of 4 stars). 3 submissions from 3 submitters: Pathogenic (3). Last evaluated 2025-04-09.

Conditions:
Hereditary cancer-predisposing syndrome. Also called: Tumor predisposition; Neoplastic Syndromes, Hereditary; Hereditary Cancer Syndrome; Hereditary neoplastic syndrome. Identifiers: Orphanet 140162, MedGen C0027672, MeSH D009386, MONDO:0015356.
Birt-Hogg-Dube syndrome. Also called: Birt Hogg Dubé syndrome. Identifiers: Orphanet 122, MedGen C0346010, MONDO:0800444.

Submissions (3):

Labcorp Genetics (formerly Invitae), Labcorp
Classification: Pathogenic for Birt-Hogg-Dube syndrome. Last evaluated: 2025-04-09. Review status: criteria provided, single submitter. Criteria: Invitae Variant Classification Sherloc (09022015). Collection method: clinical testing. Allele origin: germline.
Comment: This sequence change creates a premature translational stop signal (p.Val430Thrfs*39) in the FLCN gene. It is expected to result in an absent or disrupted protein product. Loss-of-function variants in FLCN are known to be pathogenic (PMID: 15852235). This variant is not present in population databases (gnomAD no frequency). This variant has not been reported in the literature in individuals affected with FLCN-related conditions. ClinVar contains an entry for this variant (Variation ID: 485615). For these reasons, this variant has been classified as Pathogenic.

Quest Diagnostics Nichols Institute San Juan Capistrano
Classification: Pathogenic. Last evaluated: 2023-03-10. Review status: criteria provided, single submitter. Criteria: Quest Diagnostics criteria. Collection method: clinical testing. Allele origin: unknown.
Comment: This frameshift variant alters the translational reading frame of the FLCN mRNA and causes the premature termination of FLCN protein synthesis. The variant has not been reported in individuals with FLCN-related diseases in the published literature. It also has not been reported in large, multi-ethnic general populations. Based on the available information, this variant is classified as pathogenic.

Ambry Genetics
Classification: Pathogenic for Hereditary cancer-predisposing syndrome. Last evaluated: 2016-05-18. Review status: criteria provided, single submitter. Criteria: Ambry Variant Classification Scheme 2023. Collection method: clinical testing. Allele origin: germline.
Comment: The c.1286_1287dupAC variant, located in coding exon 8 of the FLCN gene, results from a duplication of AC at nucleotide position 1286, causing a translational frameshift with a predicted alternate stop codon. Since frameshifts are typically deleterious in nature, this alteration is interpreted as a disease-causing mutation (ACMG Recommendations for Standards for Interpretation and Reporting of Sequence Variations. Revision 2007. Genet Med. 2008;10:294).

Literature cited by the submitters: PubMed 15852235 (cited by Labcorp Genetics (formerly Invitae), Labcorp).

NM_144997.7(FLCN):c.1286_1287dup (p.Val430fs)

Gene: FLCN (folliculin; minus strand). Cytogenetic location: 17p11.2.
Variant type: Duplication.
Coding change: c.1286_1287dup on transcript NM_144997.7 (MANE Select); coding-DNA positions 1286 to 1287, 2 bases duplicated (AC; older notation c.1286_1287dupAC).
Protein change: p.Val430fs; shifts the reading frame from valine 430.
Molecular consequence: frameshift variant.
Genome position (GRCh38, 1-based): chr17:17,216,393-17,216,394, GT duplicated on the plus strand (AC on the coding strand, the reverse complement: FLCN is on the minus strand); duplicating any 2 consecutive bases within chr17:17,216,393-17,216,395 gives the same sequence; the c. name uses the placement nearest the transcript's 3' end. VCF-style (leftmost placement, unchanged base first): chr17-17216392-C-CGT. GRCh37 (hg19) VCF-style: chr17-17119706-C-CGT.
Other names: c.1286_1287dup (LRG_325t1, NM_144997.6); c.1340_1341dup, p.Val448fs (NM_001353229.2); c.1286_1287dup, p.Val430fs (NM_001353230.2, NM_001353231.2); c.1286_1287dupAC (NM_144997.5); short protein forms V430fs, V448fs.
Identifiers: ClinVar variation 485615 (VCV000485615.9), dbSNP rs1555607640, ClinGen allele CA658656536.